The following is an entry in ClinVar:

ClinVar aggregate classification (germline): Likely benign. Review status: criteria provided, single submitter (1 of 4 stars). 2 submissions from 2 submitters: Likely benign (1). 1 of the submissions does not count toward it. Last evaluated 2025-10-20.

Conditions:
KIDINS220-related disorder. Also called: KIDINS220-related condition.

Allele frequency attached by ClinVar (database versions not stated): TOPMed 0.00007; gnomAD 0.00007; 1000 Genomes Project 30x 0.00016; gnomAD exomes 0.00001; ESP Exome Variant Server 0.00008; 1000 Genomes Project 0.00020; ExAC 0.00001.
gnomAD v4.1: 25 of 1,607,886 alleles (0.0016%); highest among the groups gnomAD compares: African/African-American, 0.029%; no homozygotes.

Submissions (2):

Labcorp Genetics (formerly Invitae), Labcorp
Classification: Likely benign. Last evaluated: 2025-10-20. Review status: criteria provided, single submitter. Criteria: Invitae Variant Classification Sherloc (09022015). Collection method: clinical testing. Allele origin: germline.

PreventionGenetics, part of Exact Sciences
Classification: Likely benign for KIDINS220-related condition. Last evaluated: 2021-07-14. Review status: no assertion criteria provided. Collection method: clinical testing. Allele origin: germline. Not counted in ClinVar's aggregate classification.
Comment: This variant is classified as likely benign based on ACMG/AMP sequence variant interpretation guidelines (Richards et al. 2015 PMID: 25741868, with internal and published modifications).

NM_020738.4(KIDINS220):c.3864A>G (p.Pro1288=)

Gene: KIDINS220 (kinase D interacting substrate 220; minus strand). Cytogenetic location: 2p25.1.
Variant type: single nucleotide variant.
Coding change: c.3864A>G on transcript NM_020738.4 (MANE Select); coding-DNA position 3864, A replaced by G.
Protein change: p.Pro1288=; no amino-acid change (proline 1288 retained).
Molecular consequence: synonymous variant. On other transcripts: non-coding transcript variant (2).
Genome position (GRCh38, 1-based): chr2:8,733,633, T>C on the plus strand (A>G on the coding strand, the complement: KIDINS220 is on the minus strand). VCF-style: chr2-8733633-T-C. GRCh37 (hg19) VCF-style: chr2-8873763-T-C.
Other names: c.3867A>G, p.Pro1289= (NM_001348729.2); c.3810A>G, p.Pro1270= (NM_001348731.2); c.3807A>G, p.Pro1269= (NM_001348732.2, NM_001348738.2); c.3696A>G, p.Pro1232= (NM_001348734.2, NM_001348739.2, NM_001348740.2); c.3693A>G, p.Pro1231= (NM_001348735.2, NM_001348741.2, NM_001348742.2 and 1 more transcripts); c.3567A>G, p.Pro1189= (NM_001348736.2); c.3864A>G (NM_020738.2).
Identifiers: ClinVar variation 2908347 (VCV002908347.4), dbSNP rs372288036, ClinGen allele CA1519491.